The following is an entry in ClinVar:

ClinVar aggregate classification (germline): Uncertain significance. Review status: criteria provided, multiple submitters, no conflicts (2 of 4 stars). 4 submissions from 4 submitters: Uncertain significance (4). Last evaluated 2025-07-05.

Conditions:
BARD1-related disorder. Also called: BARD1-related condition.
Hereditary cancer-predisposing syndrome. Also called: Neoplastic Syndromes, Hereditary; Tumor predisposition; Hereditary Cancer Syndrome; Hereditary neoplastic syndrome. Identifiers: Orphanet 140162, MedGen C0027672, MeSH D009386, MONDO:0015356.
Familial cancer of breast. Also called: hereditary breast carcinoma; BREAST CANCER, FAMILIAL; Hereditary breast cancer. Identifiers: Orphanet 227535, MedGen C0346153, MONDO:0016419, OMIM 114480. Disease mechanism: loss of function.

Allele frequency attached by ClinVar (database versions not stated): gnomAD exomes 0.00001.
gnomAD v4.1: 15 of 1,614,062 alleles (0.00093%); highest among the groups gnomAD compares: Non-Finnish European, 0.0013%; no homozygotes.

Submissions (4):

Ambry Genetics
Classification: Uncertain significance for Hereditary cancer-predisposing syndrome. Last evaluated: 2025-07-05. Review status: criteria provided, single submitter. Criteria: Ambry Variant Classification Scheme 2023. Collection method: clinical testing. Allele origin: germline.
Comment: The p.K369N variant (also known as c.1107A>T), located in coding exon 4 of the BARD1 gene, results from an A to T substitution at nucleotide position 1107. The lysine at codon 369 is replaced by asparagine, an amino acid with similar properties. This amino acid position is not well conserved in available vertebrate species. In addition, this alteration is predicted to be tolerated by in silico analysis. Since supporting evidence is limited at this time, the clinical significance of this alteration remains unclear.

PreventionGenetics, part of Exact Sciences
Classification: Uncertain significance for BARD1-related condition. Last evaluated: 2025-05-02. Review status: criteria provided, single submitter. Criteria: ACMG Guidelines, 2015. Collection method: clinical testing. Allele origin: germline.
Comment: The BARD1 c.1107A>T variant is predicted to result in the amino acid substitution p.Lys369Asn. To our knowledge, this variant has not been reported in the literature or in a large population database (gnomAD), indicating this variant is rare. At this time, the clinical significance of this variant is uncertain due to the absence of conclusive functional and genetic evidence.

Labcorp Genetics (formerly Invitae), Labcorp
Classification: Uncertain significance for Familial cancer of breast. Last evaluated: 2025-04-27. Review status: criteria provided, single submitter. Criteria: Invitae Variant Classification Sherloc (09022015). Collection method: clinical testing. Allele origin: germline.
Comment: This sequence change replaces lysine, which is basic and polar, with asparagine, which is neutral and polar, at codon 369 of the BARD1 protein (p.Lys369Asn). This variant is not present in population databases (gnomAD no frequency). This variant has not been reported in the literature in individuals affected with BARD1-related conditions. ClinVar contains an entry for this variant (Variation ID: 233124). An algorithm developed to predict the effect of missense changes on protein structure and function (PolyPhen-2) suggests that this variant is likely to be tolerated. In summary, the available evidence is currently insufficient to determine the role of this variant in disease. Therefore, it has been classified as a Variant of Uncertain Significance.

Color Diagnostics, LLC DBA Color Health
Classification: Uncertain significance for Hereditary cancer-predisposing syndrome. Last evaluated: 2023-12-05. Review status: criteria provided, single submitter. Criteria: ACMG Guidelines, 2015. Collection method: clinical testing. Allele origin: germline.
Comment: This missense variant replaces lysine with asparagine at codon 369 of the BARD1 protein. Computational prediction suggests that this variant may not impact protein structure and function (internally defined REVEL score threshold <= 0.5, PMID: 27666373). To our knowledge, functional studies have not been reported for this variant. This variant has not been reported in individuals affected with BARD1-related disorders in the literature. This variant has not been identified in the general population by the Genome Aggregation Database (gnomAD). The available evidence is insufficient to determine the role of this variant in disease conclusively. Therefore, this variant is classified as a Variant of Uncertain Significance.

NM_000465.4(BARD1):c.1107A>T (p.Lys369Asn)

Gene: BARD1 (BRCA1 associated RING domain 1; minus strand). Cytogenetic location: 2q35.
Variant type: single nucleotide variant.
Coding change: c.1107A>T on transcript NM_000465.4 (MANE Select); coding-DNA position 1107, A replaced by T.
Protein change: p.Lys369Asn; replaces lysine 369 with asparagine.
Molecular consequence: missense variant. On other transcripts: non-coding transcript variant (2), intron variant (3).
Genome position (GRCh38, 1-based): chr2:214,780,767, T>A on the plus strand (A>T on the coding strand, the complement: BARD1 is on the minus strand). VCF-style: chr2-214780767-T-A. GRCh37 (hg19) VCF-style: chr2-215645491-T-A.
Other names: c.1050A>T, p.Lys350Asn (NM_001282543.2); c.159-28212A>T (NM_001282548.2); c.215+16294A>T (NM_001282545.2); c.364+11530A>T (NM_001282549.2); short protein forms K369N, K350N.
Identifiers: ClinVar variation 233124 (VCV000233124.23), dbSNP rs876660211, ClinGen allele CA10577823.